The following is an entry in ClinVar:

ClinVar aggregate classification (germline): Uncertain significance. Review status: criteria provided, multiple submitters, no conflicts (2 of 4 stars). 2 submissions from 2 submitters: Uncertain significance (2). Last evaluated 2022-12-02.

Conditions:
Inborn genetic diseases. Identifiers: MedGen C0950123, MeSH D030342.

Allele frequency attached by ClinVar (database versions not stated): TOPMed 0.00002; gnomAD 0.00003.
gnomAD v4.1: 5 of 1,613,980 alleles (0.00031%); highest among the groups gnomAD compares: African/African-American, 0.0053%; no homozygotes.

Submissions (2):

Ambry Genetics
Classification: Uncertain significance for Inborn genetic diseases. Last evaluated: 2022-12-02. Review status: criteria provided, single submitter. Criteria: Ambry Variant Classification Scheme 2023. Collection method: clinical testing. Allele origin: germline.

Labcorp Genetics (formerly Invitae), Labcorp
Classification: Uncertain significance. Last evaluated: 2022-06-28. Review status: criteria provided, single submitter. Criteria: Invitae Variant Classification Sherloc (09022015). Collection method: clinical testing. Allele origin: germline.
Comment: In summary, the available evidence is currently insufficient to determine the role of this variant in disease. Therefore, it has been classified as a Variant of Uncertain Significance. Algorithms developed to predict the effect of missense changes on protein structure and function (SIFT, PolyPhen-2, Align-GVGD) all suggest that this variant is likely to be tolerated. This variant has not been reported in the literature in individuals affected with ERCC6-related conditions. This variant is present in population databases (rs369489725, gnomAD 0.02%). This sequence change replaces leucine, which is neutral and non-polar, with valine, which is neutral and non-polar, at codon 1196 of the ERCC6 protein (p.Leu1196Val).

NM_000124.4(ERCC6):c.3586C>G (p.Leu1196Val)

Gene: ERCC6 (ERCC excision repair 6, chromatin remodeling factor; minus strand). Cytogenetic location: 10q11.23.
Variant type: single nucleotide variant.
Coding change: c.3586C>G on transcript NM_000124.4 (MANE Select); coding-DNA position 3586, C replaced by G.
Protein change: p.Leu1196Val; replaces leucine 1196 with valine.
Molecular consequence: missense variant.
Genome position (GRCh38, 1-based): chr10:49,470,374, G>C on the plus strand (C>G on the coding strand, the complement: ERCC6 is on the minus strand). VCF-style: chr10-49470374-G-C. GRCh37 (hg19) VCF-style: chr10-50678420-G-C.
Other names: c.3586C>G, p.Leu1196Val (NM_001346440.2); short protein forms L1196V.
Identifiers: ClinVar variation 2331907 (VCV002331907.7), dbSNP rs369489725, ClinGen allele CA206584346.
Genomic context (GRCh38, chr10:49,470,374, plus strand): 5'-TGGCGTCTCTGCAATGCTTAGAGTTCTTAGGCTTTTGCTTTGGTCTCAGATGTTTCTCCA[G>C]GGTCTCTTCTTCTGCCACACTATGATGTTTTGTTTTTGACTTGTGCTTATAAAAATTATT-3'
Protein context (NP_000115.1, residues 1186-1206): KHHSVAEEET[Leu1196Val]EKHLRPKQKP